The following is an entry in ClinVar:

ClinVar aggregate classification (germline): Conflicting classifications of pathogenicity. Review status: criteria provided, conflicting classifications (1 of 4 stars). 5 submissions from 5 submitters: Uncertain significance (1); Likely benign (3). 1 of the submissions does not count toward it. Last evaluated 2025-04-19.

Conditions:
Microcephaly 2, primary, autosomal recessive, with or without cortical malformations. Also called: WDR62 Primary Microcephaly; MICROCEPHALY 2, PRIMARY, AUTOSOMAL RECESSIVE, WITH CORTICAL MALFORMATIONS. Identifiers: Orphanet 2512, MedGen C1858535, MONDO:0011435, OMIM 604317.
WDR62-related disorder. Also called: WDR62-related condition.

Allele frequency attached by ClinVar (database versions not stated): gnomAD 0.00003; gnomAD exomes 0.00005 and 0.00014; TOPMed 0.00005; ExAC 0.00010.
gnomAD v4.1: 73 of 1,609,762 alleles (0.0045%); highest among the groups gnomAD compares: East Asian, 0.065%; no homozygotes.

Submissions (5):

Labcorp Genetics (formerly Invitae), Labcorp
Classification: Likely benign. Last evaluated: 2025-04-19. Review status: criteria provided, single submitter. Criteria: Invitae Variant Classification Sherloc (09022015). Collection method: clinical testing. Allele origin: germline.

CeGaT Center for Human Genetics Tuebingen
Classification: Likely benign. Last evaluated: 2020-07-01. Review status: criteria provided, single submitter. Criteria: CeGaT Center For Human Genetics Tuebingen Variant Classification Criteria Version 2. Collection method: clinical testing. Allele origin: germline. Affected: yes. Observed: 1 variant allele.

GeneDx
Classification: Likely benign. Last evaluated: 2018-04-02. Review status: criteria provided, single submitter. Criteria: GeneDx Variant Classification (06012015). Collection method: clinical testing. Allele origin: germline. Affected: yes.
Comment: This variant is considered likely benign or benign based on one or more of the following criteria: it is a conservative change, it occurs at a poorly conserved position in the protein, it is predicted to be benign by multiple in silico algorithms, and/or has population frequency not consistent with disease.

Illumina Laboratory Services, Illumina
Classification: Uncertain significance for Microcephaly 2, primary, autosomal recessive, with or without cortical malformations. Last evaluated: 2018-01-13. Review status: criteria provided, single submitter. Criteria: ICSL Variant Classification Criteria 13 December 2019. Collection method: clinical testing. Allele origin: germline.

PreventionGenetics, part of Exact Sciences
Classification: Likely benign for WDR62-related condition. Last evaluated: 2022-02-21. Review status: no assertion criteria provided. Collection method: clinical testing. Allele origin: germline. Not counted in ClinVar's aggregate classification.
Comment: This variant is classified as likely benign based on ACMG/AMP sequence variant interpretation guidelines (Richards et al. 2015 PMID: 25741868, with internal and published modifications).

NM_001083961.2(WDR62):c.3810C>T (p.Thr1270=)

Gene: WDR62 (WD repeat domain 62; plus strand). Cytogenetic location: 19q13.12.
Variant type: single nucleotide variant.
Coding change: c.3810C>T on transcript NM_001083961.2 (MANE Select); coding-DNA position 3810, C replaced by T.
Protein change: p.Thr1270=; no amino-acid change (threonine 1270 retained).
Molecular consequence: synonymous variant.
Genome position (GRCh38, 1-based): chr19:36,103,638, C>T. VCF-style: chr19-36103638-C-T. GRCh37 (hg19) VCF-style: chr19-36594540-C-T.
Other names: c.3795C>T, p.Thr1265= (NM_173636.5).
Identifiers: ClinVar variation 328929 (VCV000328929.49), dbSNP rs765881142, ClinGen allele CA9396396.